The following is an entry in ClinVar:

NC_012920.1(MT-CYB):m.15148G>A

Gene: MT-CYB (mitochondrially encoded cytochrome b; plus strand).
Variant type: single nucleotide variant.
Genome position: chrM-15148-G-A.
Identifiers: ClinVar variation 143922 (VCV000143922.3), dbSNP rs527236206, ClinGen allele CA170536.

ClinVar aggregate classification (germline): Likely benign. Review status: criteria provided, single submitter (1 of 4 stars). 2 submissions from 2 submitters: Likely benign (1). 1 of the submissions does not count toward it. Last evaluated 2023-08-29.

Conditions:
Ovarian neoplasm. Also called: Ovarian tumor; Neoplasm of ovary; Ovarian Neoplasms. Identifiers: MedGen C0919267, MeSH D010051, MONDO:0021068, HP:0100615.

Submissions (2):

Ophthalmic Genetics Group, Institute of Molecular and Clinical Ophthalmology Basel
Classification: Likely benign for Neoplasm of ovary. Last evaluated: 2023-08-29. Review status: criteria provided, single submitter. Criteria: ACMG Guidelines, 2015. Collection method: curation. Allele origin: unknown.
Comment: Clinical significance based on ACMG v2.0

This variant was classified as Benign based on ACMG criteria: BA1.

Department of Zoology Govt. MVM College
Classification: Likely pathogenic for Neoplasm of ovary. Review status: no assertion criteria provided. Collection method: not provided. Allele origin: unknown. Not counted in ClinVar's aggregate classification.
Comment: KM273783;KM276994
ClinVar note: Converted during submission from probable-pathogenic to Likely pathogenic.